The following is an entry in ClinVar:

NM_022455.5(NSD1):c.757C>T (p.Leu253Phe)

Gene: NSD1 (nuclear receptor binding SET domain protein 1; plus strand). Cytogenetic location: 5q35.3.
Variant type: single nucleotide variant.
Coding change: c.757C>T on transcript NM_022455.5 (MANE Select); coding-DNA position 757, C replaced by T.
Protein change: p.Leu253Phe; replaces leucine 253 with phenylalanine.
Molecular consequence: missense variant. On other transcripts: intron variant (8).
Genome position (GRCh38, 1-based): chr5:177,135,860, C>T. VCF-style: chr5-177135860-C-T. GRCh37 (hg19) VCF-style: chr5-176562861-C-T.
Other names: c.757C>T, p.Leu253Phe (NM_001409301.1, NM_001409302.1, NM_001409303.1); c.418-81C>T (NM_001409304.1); c.-36-81C>T (NM_001409305.1, NM_001409306.1, NM_001409308.1 and 4 more transcripts); short protein forms L253F.
Identifiers: ClinVar variation 3635571 (VCV003635571.2).
Genomic context (GRCh38, chr5:177,135,860, plus strand): 5'-ACTGAAACACAGAAAAATAAGCAAAGAAATGAAGTGGACGGCAGCAATGAAAAAGCAGCC[C>T]TTCTCCCAGCCCCCTTTTCACTAGGAGACACAAACATTACAATAGAAGAGCAATTAAACT-3'
Protein context (NP_071900.2, residues 243-263): EVDGSNEKAA[Leu253Phe]LPAPFSLGDT

ClinVar aggregate classification (germline): Uncertain significance (1 of 4 stars; one submission).

Submission:

Labcorp Genetics (formerly Invitae), Labcorp
Classification: Uncertain significance. Last evaluated: 2024-07-29. Review status: criteria provided, single submitter. Criteria: Invitae Variant Classification Sherloc (09022015). Collection method: clinical testing. Allele origin: germline.
Comment: This sequence change replaces leucine, which is neutral and non-polar, with phenylalanine, which is neutral and non-polar, at codon 253 of the NSD1 protein (p.Leu253Phe). This variant is not present in population databases (gnomAD no frequency). This variant has not been reported in the literature in individuals affected with NSD1-related conditions. Advanced modeling of protein sequence and biophysical properties (such as structural, functional, and spatial information, amino acid conservation, physicochemical variation, residue mobility, and thermodynamic stability) performed at Invitae indicates that this missense variant is not expected to disrupt NSD1 protein function with a negative predictive value of 95%. In summary, the available evidence is currently insufficient to determine the role of this variant in disease. Therefore, it has been classified as a Variant of Uncertain Significance.